The following is an entry in ClinVar:

ClinVar aggregate classification (germline): Conflicting classifications of pathogenicity. Review status: criteria provided, conflicting classifications (1 of 4 stars). 6 submissions from 6 submitters: Likely pathogenic (1); Uncertain significance (3). 2 of the submissions do not count toward it. Last evaluated 2026-02-06.

Conditions:
LAMA2-related disorder. Also called: LAMA2-related disorders; LAMA2-related condition.
Merosin deficient congenital muscular dystrophy (MDC1A). Also called: Congenital merosin-deficient muscular dystrophy 1A; Congenital Muscular Dystrophy Type 1A (MDC1A). Identifiers: Orphanet 258, MedGen C1263858, MONDO:0011925, OMIM 607855.
Muscular dystrophy, limb-girdle, autosomal recessive 23. Identifiers: Orphanet 565837, MedGen C4748327, MONDO:0029136, OMIM 618138.
LAMA2-related muscular dystrophy (LAMA2-RD). Also called: Laminin alpha 2-related dystrophy. Identifiers: MedGen C5679788, MONDO:0100228.

Allele frequency attached by ClinVar (database versions not stated): gnomAD exomes below 0.00001 and 0.00001; TOPMed below 0.00001.
gnomAD v4.1: 15 of 1,611,842 alleles (0.00093%); highest among the groups gnomAD compares: Admixed American, 0.0017%; no homozygotes.

Submissions (6):

Myriad Genetics, Inc.
Classification: Uncertain significance for LAMA2-related muscular dystrophy. Last evaluated: 2026-02-06. Review status: criteria provided, single submitter. Criteria: Myriad Autosomal Dominant, Autosomal Recessive and X-Linked Classification Criteria (2023). Collection method: clinical testing. Allele origin: unknown.
Comment: NM_000426.3(LAMA2):c.6992+5G>A is an intronic variant classified as a variant of uncertain significance in the context of muscular dystrophy, LAMA2-related. c.6992+5G>A has been observed in a case with relevant disease (PMID: 28877744). Relevant functional assessments of this variant are not available in the literature. c.6992+5G>A has been observed in referenced population frequency databases. In summary, there is insufficient evidence to classify NM_000426.3(LAMA2):c.6992+5G>A as pathogenic or benign. Please note: this variant was assessed in the context of healthy population screening.

Labcorp Genetics (formerly Invitae), Labcorp
Classification: Uncertain significance for LAMA2-related muscular dystrophy. Last evaluated: 2024-04-04. Review status: criteria provided, single submitter. Criteria: Invitae Variant Classification Sherloc (09022015). Collection method: clinical testing. Allele origin: germline.
Comment: This sequence change falls in intron 49 of the LAMA2 gene. It does not directly change the encoded amino acid sequence of the LAMA2 protein. It affects a nucleotide within the consensus splice site. This variant is present in population databases (no rsID available, gnomAD 0.003%). This variant has been observed in individual(s) with limb girdle muscular dystrophy (PMID: 28877744). ClinVar contains an entry for this variant (Variation ID: 546142). Variants that disrupt the consensus splice site are a relatively common cause of aberrant splicing (PMID: 17576681, 9536098). Algorithms developed to predict the effect of sequence changes on RNA splicing suggest that this variant may disrupt the consensus splice site. In summary, the available evidence is currently insufficient to determine the role of this variant in disease. Therefore, it has been classified as a Variant of Uncertain Significance.

PreventionGenetics, part of Exact Sciences
Classification: Uncertain significance for LAMA2-related condition. Last evaluated: 2023-03-20. Review status: criteria provided, single submitter. Criteria: ACMG Guidelines, 2015. Collection method: clinical testing. Allele origin: germline.
Comment: The LAMA2 c.6992+5G>A variant is predicted to interfere with splicing. This variant has been reported in the heterozygous state (along with a second variant) in an individual with white matter changes (Table 1, individual 32, Harris et al. 2017. PubMed ID: 28877744). A skin biopsy for this individual demonstrated partial absence of laminin a2. In the gnomAD public population database this variant has been reported in one of ~250,000 alleles, and is interpreted as uncertain significance and likely pathogenic in ClinVar. At this time, the clinical significance of this variant is uncertain due to the absence of conclusive functional and genetic evidence.

GeneDx
Classification: Likely pathogenic. Last evaluated: 2018-05-29. Review status: criteria provided, single submitter. Criteria: GeneDx Variant Classification (06012015). Collection method: clinical testing. Allele origin: germline. Affected: yes.
Comment: The c.6992+5G>A variant in the LAMA2 gene has been reported previously in the heterozygous state with a second LAMA2 variant in an individual with limb girdle muscular dystrophy, however, segregation studies to confirm phase were only performed on one parent (Harris et al., 2017). This variant is predicted to destroy the splice donor site in intron 49. Both in silico predictors and evolutionary conservation support a deleterious effect in this gene for which loss-of-function is a known mechanism for disease. The c.6992+5G>A variant is not observed at a significant frequency in large population cohorts (Lek et al., 2016). We interpret c.6992+5G>A as a likely pathogenic variant.

Counsyl
Classification: Uncertain significance for Merosin deficient congenital muscular dystrophy. Last evaluated: 2018-03-01. Review status: no assertion criteria provided. Collection method: clinical testing. Allele origin: unknown. Not counted in ClinVar's aggregate classification.

Institute of Human Genetics, University of Wuerzburg
Classification: Likely pathogenic for Muscular dystrophy, limb-girdle, autosomal recessive 23. Review status: no assertion criteria provided. Collection method: clinical testing. Allele origin: unknown. Affected: yes. Observed: 1 variant allele. Not counted in ClinVar's aggregate classification.

Literature cited by the submitters: PubMed 28877744 (cited by 3 submitters); PubMed 17576681 (cited by Labcorp Genetics (formerly Invitae), Labcorp); PubMed 9536098 (cited by Labcorp Genetics (formerly Invitae), Labcorp).

NM_000426.4(LAMA2):c.6992+5G>A

Gene: LAMA2 (laminin subunit alpha 2; plus strand). Cytogenetic location: 6q22.33.
Variant type: single nucleotide variant.
Coding change: c.6992+5G>A on transcript NM_000426.4 (MANE Select); 5 bases into the intron after coding-DNA position 6992, G replaced by A.
Molecular consequence: intron variant.
Genome position (GRCh38, 1-based): chr6:129,460,329, G>A. VCF-style: chr6-129460329-G-A. GRCh37 (hg19) VCF-style: chr6-129781474-G-A.
Other names: c.6992+5G>A (NM_001079823.2).
Identifiers: ClinVar variation 546142 (VCV000546142.7), dbSNP rs1221715098, ClinGen allele CA570054380.
Genomic context (GRCh38, chr6:129,460,329, plus strand): 5'-ATAGGTTTGTGGAATTTCCGAGAAAAAGAAGGTGACTGCAAAGGATGCACTGTCAGGTTA[G>A]TTGAGATGAGAACTCTCCCAGGGTCTGTCCTGTGCATAATAAAAGCTTCGATTTTATTGC-3'